The following is an entry in ClinVar:

NM_000548.5(TSC2):c.848+7G>A

Gene: TSC2 (TSC complex subunit 2; plus strand). Cytogenetic location: 16p13.3.
Variant type: single nucleotide variant.
Coding change: c.848+7G>A on transcript NM_000548.5 (MANE Select); 7 bases into the intron after coding-DNA position 848, G replaced by A.
Molecular consequence: intron variant.
Genome position (GRCh38, 1-based): chr16:2,057,185, G>A. VCF-style: chr16-2057185-G-A. GRCh37 (hg19) VCF-style: chr16-2107186-G-A.
Other names: p.?; c.848+7G>A (NM_001114382.3, NM_021055.3, NM_001370405.1 and 4 more transcripts); c.737+7G>A (NM_001318827.2); c.248+7G>A (NM_001318831.2); c.701+7G>A (NM_001318829.2); c.881+7G>A (NM_001318832.2).
Identifiers: ClinVar variation 49399 (VCV000049399.57), dbSNP rs45442896, ClinGen allele CA023033.
Genomic context (GRCh38, chr16:2,057,185, plus strand): 5'-CACCCACCTGGGCCACAGCGCCATCTACAACATGTGCCACCTCATGGAGGACAGGTGAGT[G>A]TGGTGGGTGGGGCGCAGGGCAGTGGAGGCCAGCACAGCCCTCGGGGCAGCTCCAGTGTCC-3'

ClinVar aggregate classification (germline): Benign/Likely benign. Review status: criteria provided, multiple submitters, no conflicts (2 of 4 stars). 15 submissions from 15 submitters: Benign (10); Likely benign (3). 2 of the submissions do not count toward it. Last evaluated 2026-02-03.

Conditions:
Hereditary cancer-predisposing syndrome. Also called: Hereditary Cancer Syndrome; Tumor predisposition; Neoplastic Syndromes, Hereditary; Hereditary neoplastic syndrome. Identifiers: Orphanet 140162, MedGen C0027672, MeSH D009386, MONDO:0015356.
Tuberous sclerosis syndrome (TSC). Also called: Tuberous Sclerosis Complex; Tuberous sclerosis. Identifiers: Orphanet 805, MedGen C0041341, MONDO:0001734.
Tuberous sclerosis 2 (TSC2). Identifiers: Orphanet 805, MedGen C1860707, MONDO:0013199, OMIM 613254.

Allele frequency attached by ClinVar (database versions not stated): gnomAD 0.00376 and 0.00348; 1000 Genomes Project 0.00379; 1000 Genomes Project 30x 0.00390; ESP Exome Variant Server 0.00393; TOPMed 0.00396; gnomAD exomes 0.00077; ExAC 0.00146.
gnomAD v4.1: 1,013 of 1,551,680 alleles (0.065%); highest among the groups gnomAD compares: African/African-American, 1.3%; 9 homozygotes.

Submissions (15):

Labcorp Genetics (formerly Invitae), Labcorp
Classification: Benign for Tuberous sclerosis 2. Last evaluated: 2026-02-03. Review status: criteria provided, single submitter. Criteria: Invitae Variant Classification Sherloc (09022015). Collection method: clinical testing. Allele origin: germline.

CeGaT Center for Human Genetics Tuebingen
Classification: Likely benign. Last evaluated: 2025-11-01. Review status: criteria provided, single submitter. Criteria: CeGaT Center For Human Genetics Tuebingen Variant Classification Criteria Version 2. Collection method: clinical testing. Allele origin: germline. Affected: yes. Observed: 4 variant alleles.
Comment: TSC2: BP4, BS1

Myriad Genetics, Inc.
Classification: Benign for Tuberous sclerosis 2. Last evaluated: 2025-05-12. Review status: criteria provided, single submitter. Criteria: Myriad Autosomal Dominant, Autosomal Recessive and X-Linked Classification Criteria (2023). Collection method: clinical testing. Allele origin: unknown.
Comment: This variant is considered benign. This variant is intronic and is not expected to impact mRNA splicing. Homozygosity has been confirmed in one or more individuals. As homozygosity for pathogenic variants in this gene is generally assumed to result in embryonic lethality, this variant is unlikely to be pathogenic.

Mayo Clinic Laboratories, Mayo Clinic
Classification: Likely benign. Last evaluated: 2025-03-04. Review status: criteria provided, single submitter. Criteria: ACMG Guidelines, 2015. Collection method: clinical testing. Allele origin: germline. Observed: 6 variant alleles.
Comment: BS1, BP4, BP7

Department of Pathology and Laboratory Medicine, Sinai Health System
Classification: Benign for tuberous sclerosis. Last evaluated: 2025-01-08. Review status: criteria provided, single submitter. Criteria: ACMG Guidelines, 2015. Collection method: clinical testing. Allele origin: germline.

Blueprint Genetics
Classification: Likely benign. Last evaluated: 2024-11-27. Review status: criteria provided, single submitter. Criteria: ACMG Guidelines, 2015. Collection method: clinical testing. Allele origin: germline.

Athena Diagnostics
Classification: Benign. Last evaluated: 2024-02-20. Review status: criteria provided, single submitter. Criteria: Athena Diagnostics Criteria. Collection method: clinical testing. Allele origin: unknown.

ARUP Laboratories, Molecular Genetics and Genomics, ARUP Laboratories
Classification: Benign. Last evaluated: 2023-09-21. Review status: criteria provided, single submitter. Criteria: ARUP Molecular Germline Variant Investigation Process 2024. Collection method: clinical testing. Allele origin: germline.

Genome-Nilou Lab
Classification: Benign for Tuberous sclerosis 2. Last evaluated: 2021-11-07. Review status: criteria provided, single submitter. Criteria: ACMG Guidelines, 2015. Collection method: clinical testing. Allele origin: germline. Affected: no.

Illumina Laboratory Services, Illumina
Classification: Benign for Tuberous sclerosis syndrome. Last evaluated: 2018-01-12. Review status: criteria provided, single submitter. Criteria: ICSL Variant Classification Criteria 13 December 2019. Collection method: clinical testing. Allele origin: germline.
Comment: This variant was observed in the ICSL laboratory as part of a predisposition screen in an ostensibly healthy population. It had not been previously curated by ICSL or reported in the Human Gene Mutation Database (HGMD: prior to June 1st, 2018), and was therefore a candidate for classification through an automated scoring system. Utilizing variant allele frequency, disease prevalence and penetrance estimates, and inheritance mode, an automated score was calculated to assess if this variant is too frequent to cause the disease. Based on the score and internal cut-off values, a variant classified as benign is not then subjected to further curation. The score for this variant resulted in a classification of benign for this disease.

Vantari Genetics
Classification: Benign for Hereditary cancer-predisposing syndrome. Last evaluated: 2016-02-04. Review status: criteria provided, single submitter. Criteria: ACMG Guidelines, 2015. Collection method: clinical testing. Allele origin: germline.

GeneDx
Classification: Benign. Last evaluated: 2013-03-04. Review status: criteria provided, single submitter. Criteria: GeneDx Variant Classification (06012015). Collection method: clinical testing. Allele origin: germline. Affected: yes.
Comment: This variant is considered likely benign or benign based on one or more of the following criteria: it is a conservative change, it occurs at a poorly conserved position in the protein, it is predicted to be benign by multiple in silico algorithms, and/or has population frequency not consistent with disease.

PreventionGenetics, part of Exact Sciences
Classification: Benign. Review status: criteria provided, single submitter. Criteria: ACMG Guidelines, 2015. Collection method: clinical testing. Allele origin: germline.

Genetic Services Laboratory, University of Chicago
Classification: Benign. Last evaluated: 2022-07-27. Review status: no assertion criteria provided. Collection method: clinical testing. Allele origin: germline. Affected: no. Not counted in ClinVar's aggregate classification.

Tuberous sclerosis database (TSC2)
No classification provided. Condition: TSC. Review status: no classification provided. Criteria: Tuberous Sclerosis Database Assertion Criteria 2015. Collection method: curation. Allele origin: germline. Affected: yes. Not counted in ClinVar's aggregate classification.

Literature cited by the submitters: PubMed 17304050 (cited by Athena Diagnostics).